The following is an entry in ClinVar:

ClinVar aggregate classification (germline): Uncertain significance (1 of 4 stars; one submission).

Submission:

GeneDx
Classification: Uncertain significance. Last evaluated: 2021-11-01. Review status: criteria provided, single submitter. Criteria: GeneDx Variant Classification Process June 2021. Collection method: clinical testing. Allele origin: germline. Affected: yes.
Comment: Not observed at significant frequency in large population cohorts (gnomAD); In silico analysis supports that this missense variant has a deleterious effect on protein structure/function; Has not been previously published as pathogenic or benign to our knowledge

NM_000844.4(GRM7):c.1643G>C (p.Cys548Ser)

Gene: GRM7 (glutamate metabotropic receptor 7; plus strand). Cytogenetic location: 3p26.1.
Variant type: single nucleotide variant.
Coding change: c.1643G>C on transcript NM_000844.4 (MANE Select); coding-DNA position 1643, G replaced by C.
Protein change: p.Cys548Ser; replaces cysteine 548 with serine.
Molecular consequence: missense variant.
Genome position (GRCh38, 1-based): chr3:7,578,549, G>C. VCF-style: chr3-7578549-G-C. GRCh37 (hg19) VCF-style: chr3-7620236-G-C.
Other names: c.1643G>C, p.Cys548Ser (NM_181874.3); short protein forms C548S.
Identifiers: ClinVar variation 1683924 (VCV001683924.2), dbSNP rs2125052518, ClinGen allele CA351799096.
Genomic context (GRCh38, chr3:7,578,549, plus strand): 5'-AGCCAGGACAGAGAAAGAAGACACAGAAAGGAACTCCTTGCTGTTGGACCTGTGAGCCTT[G>C]CGATGGTTACCAGTACCAGTTTGATGAGATGACATGCCAGCATTGCCCCTATGACCAGAG-3'
Protein context (NP_000835.1, residues 538-558): GTPCCWTCEP[Cys548Ser]DGYQYQFDEM